The following is an entry in ClinVar:

ClinVar aggregate classification (germline): Uncertain significance. Review status: criteria provided, multiple submitters, no conflicts (2 of 4 stars). 2 submissions from 2 submitters: Uncertain significance (2). Last evaluated 2025-06-24.

gnomAD v4.1: 6 of 1,609,422 alleles (0.00037%); highest among the groups gnomAD compares: African/African-American, 0.008%; no homozygotes.

Submissions (2):

Labcorp Genetics (formerly Invitae), Labcorp
Classification: Uncertain significance. Last evaluated: 2025-06-24. Review status: criteria provided, single submitter. Criteria: Invitae Variant Classification Sherloc (09022015). Collection method: clinical testing. Allele origin: germline.
Comment: This sequence change replaces isoleucine, which is neutral and non-polar, with threonine, which is neutral and polar, at codon 1066 of the NUP133 protein (p.Ile1066Thr). This variant is present in population databases (rs371972960, gnomAD 0.01%). This variant has not been reported in the literature in individuals affected with NUP133-related conditions. ClinVar contains an entry for this variant (Variation ID: 3881677). An algorithm developed to predict the effect of missense changes on protein structure and function (PolyPhen-2) suggests that this variant is likely to be tolerated. In summary, the available evidence is currently insufficient to determine the role of this variant in disease. Therefore, it has been classified as a Variant of Uncertain Significance.

Ambry Genetics
Classification: Uncertain significance. Last evaluated: 2025-03-04. Review status: criteria provided, single submitter. Criteria: Ambry Variant Classification Scheme 2023. Collection method: clinical testing. Allele origin: germline.

NM_018230.3(NUP133):c.3197T>C (p.Ile1066Thr)

Gene: NUP133 (nucleoporin 133; minus strand). Cytogenetic location: 1q42.13.
Variant type: single nucleotide variant.
Coding change: c.3197T>C on transcript NM_018230.3 (MANE Select); coding-DNA position 3197, T replaced by C.
Protein change: p.Ile1066Thr; replaces isoleucine 1066 with threonine.
Molecular consequence: missense variant.
Genome position (GRCh38, 1-based): chr1:229,449,174, A>G on the plus strand (T>C on the coding strand, the complement: NUP133 is on the minus strand). VCF-style: chr1-229449174-A-G. GRCh37 (hg19) VCF-style: chr1-229584921-A-G.
Other names: short protein forms I1066T.
Identifiers: ClinVar variation 3881677 (VCV003881677.2).